The following is an entry in ClinVar:

NM_006031.6(PCNT):c.4140G>T (p.Ala1380=)

Gene: PCNT (pericentrin; plus strand). Cytogenetic location: 21q22.3.
Variant type: single nucleotide variant.
Coding change: c.4140G>T on transcript NM_006031.6 (MANE Select); coding-DNA position 4140, G replaced by T.
Protein change: p.Ala1380=; no amino-acid change (alanine 1380 retained).
Molecular consequence: synonymous variant.
Genome position (GRCh38, 1-based): chr21:46,391,300, G>T. VCF-style: chr21-46391300-G-T. GRCh37 (hg19) VCF-style: chr21-47811215-G-T.
Other names: c.3786G>T, p.Ala1262= (NM_001315529.2); c.4140G>T (NM_006031.5).
Identifiers: ClinVar variation 2892570 (VCV002892570.5), dbSNP rs372175239, ClinGen allele CA10079546.

ClinVar aggregate classification (germline): Likely benign. Review status: criteria provided, single submitter (1 of 4 stars). 2 submissions from 2 submitters: Likely benign (1). 1 of the submissions does not count toward it. Last evaluated 2024-02-16.

Conditions:
PCNT-related disorder. Also called: PCNT-related condition.

gnomAD v4.1: 10 of 1,573,268 alleles (0.00064%); highest among the groups gnomAD compares: South Asian, 0.0093%; no homozygotes.

Submissions (2):

Labcorp Genetics (formerly Invitae), Labcorp
Classification: Likely benign. Last evaluated: 2024-02-16. Review status: criteria provided, single submitter. Criteria: Invitae Variant Classification Sherloc (09022015). Collection method: clinical testing. Allele origin: germline.

PreventionGenetics, part of Exact Sciences
Classification: Likely benign for PCNT-related condition. Last evaluated: 2023-08-04. Review status: no assertion criteria provided. Collection method: clinical testing. Allele origin: germline. Not counted in ClinVar's aggregate classification.
Comment: This variant is classified as likely benign based on ACMG/AMP sequence variant interpretation guidelines (Richards et al. 2015 PMID: 25741868, with internal and published modifications).